The following is an entry in ClinVar:

NM_000257.4(MYH7):c.964_966dup (p.Ser322_Ile323insSer)

Gene: MYH7 (myosin heavy chain 7; minus strand). Cytogenetic location: 14q11.2.
Variant type: Duplication.
Coding change: c.964_966dup on transcript NM_000257.4 (MANE Select); coding-DNA positions 964 to 966, 3 bases duplicated (TCC; older notation c.964_966dupTCC).
Protein change: p.Ser322_Ile323insSer.
Molecular consequence: inframe insertion.
Genome position (GRCh38, 1-based): chr14:23,430,593-23,430,595, GGA duplicated on the plus strand (TCC on the coding strand, the reverse complement: MYH7 is on the minus strand); duplicating any 3 consecutive bases within chr14:23,430,593-23,430,597 gives the same sequence; the c. name uses the placement nearest the transcript's 3' end. VCF-style (leftmost placement, unchanged base first): chr14-23430592-T-TGGA. GRCh37 (hg19) VCF-style: chr14-23899801-T-TGGA.
Other names: c.964_966dup, p.Ser322_Ile323insSer (NM_001407004.1).
Identifiers: ClinVar variation 2697919 (VCV002697919.3), dbSNP rs2502308593, ClinGen allele CA2697553851.

ClinVar aggregate classification (germline): Uncertain significance (1 of 4 stars; one submission).

Conditions:
Hypertrophic cardiomyopathy. Also called: HYPERTROPHIC MYOCARDIOPATHY. Identifiers: Orphanet 217569, MedGen C0007194, MeSH D002312, MONDO:0005045, HP:0001639.

Submission:

Labcorp Genetics (formerly Invitae), Labcorp
Classification: Uncertain significance for Hypertrophic cardiomyopathy. Last evaluated: 2023-11-21. Review status: criteria provided, single submitter. Criteria: Invitae Variant Classification Sherloc (09022015). Collection method: clinical testing. Allele origin: germline.
Comment: This variant, c.964_966dup, results in the insertion of 1 amino acid(s) of the MYH7 protein (p.Ser322dup), but otherwise preserves the integrity of the reading frame. This variant is not present in population databases (gnomAD no frequency). This variant has not been reported in the literature in individuals affected with MYH7-related conditions. Experimental studies and prediction algorithms are not available or were not evaluated, and the functional significance of this variant is currently unknown. In summary, the available evidence is currently insufficient to determine the role of this variant in disease. Therefore, it has been classified as a Variant of Uncertain Significance.